The following is an entry in ClinVar:

NM_000222.3(KIT):c.1091A>G (p.Lys364Arg)

Gene: KIT (KIT proto-oncogene, receptor tyrosine kinase; plus strand). Cytogenetic location: 4q12.
Variant type: single nucleotide variant.
Coding change: c.1091A>G on transcript NM_000222.3 (MANE Select); coding-DNA position 1091, A replaced by G.
Protein change: p.Lys364Arg; replaces lysine 364 with arginine.
Molecular consequence: missense variant.
Genome position (GRCh38, 1-based): chr4:54,707,263, A>G. VCF-style: chr4-54707263-A-G. GRCh37 (hg19) VCF-style: chr4-55573429-A-G.
Other names: c.1091A>G, p.Lys364Arg (NM_001093772.2, NM_001385285.1, NM_001385286.1); c.1094A>G, p.Lys365Arg (NM_001385284.1, NM_001385288.1, NM_001385290.1 and 1 more transcripts); short protein forms K364R, K365R.
Identifiers: ClinVar variation 409762 (VCV000409762.16), dbSNP rs375734891, ClinGen allele CA2923362.
Genomic context (GRCh38, chr4:54,707,263, plus strand): 5'-AACACCAGCAGTGGATCTATATGAACAGAACCTTCACTGATAAATGGGAAGATTATCCCA[A>G]GTCTGAGAATGAAAGTAATATCAGGTAAGAAATGGACCTTGCCCTGGGGGATTACACATT-3'
Protein context (NP_000213.1, residues 354-374): TFTDKWEDYP[Lys364Arg]SENESNIRYV

ClinVar aggregate classification (germline): Conflicting classifications of pathogenicity. Review status: criteria provided, conflicting classifications (1 of 4 stars). 4 submissions from 4 submitters: Uncertain significance (3); Likely benign (1). Last evaluated 2026-03-09.

Conditions:
KIT-related disorder. Also called: KIT-related condition.
Hereditary cancer-predisposing syndrome. Also called: Neoplastic Syndromes, Hereditary; Tumor predisposition; Hereditary Cancer Syndrome; Hereditary neoplastic syndrome. Identifiers: Orphanet 140162, MedGen C0027672, MeSH D009386, MONDO:0015356.
Gastrointestinal stromal tumor. Also called: Gastrointestinal stroma tumor; Gastrointestinal stromal tumor, somatic. Identifiers: Orphanet 44890, MedGen C0238198, MeSH D046152, MONDO:0011719, OMIM 606764, HP:0100723.

Allele frequency attached by ClinVar (database versions not stated): gnomAD exomes 0.00001 and 0.00003; ExAC 0.00003; gnomAD 0.00007 and 0.00009; TOPMed 0.00007; ESP Exome Variant Server 0.00023.
gnomAD v4.1: 21 of 1,612,160 alleles (0.0013%); highest among the groups gnomAD compares: African/African-American, 0.023%; no homozygotes.

Submissions (4):

PreventionGenetics, part of Exact Sciences
Classification: Uncertain significance for KIT-related condition. Last evaluated: 2026-03-09. Review status: criteria provided, single submitter. Criteria: ACMG Guidelines, 2015. Collection method: clinical testing. Allele origin: germline.
Comment: The KIT c.1091A>G variant is predicted to result in the amino acid substitution p.Lys364Arg. To our knowledge, this variant has not been reported in the literature. This variant is reported in 0.028% of alleles in individuals of African descent in gnomAD. This variant has conflicting classifications in ClinVar, ranging from uncertain to likely benign (Variation ID: 409762). At this time, the clinical significance of this variant is uncertain due to the absence of conclusive functional and genetic evidence.

Labcorp Genetics (formerly Invitae), Labcorp
Classification: Uncertain significance for Gastrointestinal stromal tumor. Last evaluated: 2026-02-02. Review status: criteria provided, single submitter. Criteria: Invitae Variant Classification Sherloc (09022015). Collection method: clinical testing. Allele origin: germline.
Comment: This sequence change replaces lysine, which is basic and polar, with arginine, which is basic and polar, at codon 364 of the KIT protein (p.Lys364Arg). This variant is present in population databases (rs375734891, gnomAD 0.02%). This variant has not been reported in the literature in individuals affected with KIT-related conditions. ClinVar contains an entry for this variant (Variation ID: 409762). An algorithm developed to predict the effect of missense changes on protein structure and function (PolyPhen-2) suggests that this variant is likely to be tolerated. In summary, the available evidence is currently insufficient to determine the role of this variant in disease. Therefore, it has been classified as a Variant of Uncertain Significance.

Ambry Genetics
Classification: Likely benign for Hereditary cancer-predisposing syndrome. Last evaluated: 2025-01-24. Review status: criteria provided, single submitter. Criteria: Ambry Variant Classification Scheme 2023. Collection method: clinical testing. Allele origin: germline.

Baylor Genetics
Classification: Uncertain significance for Gastrointestinal stromal tumor. Last evaluated: 2023-09-20. Review status: criteria provided, single submitter. Criteria: ACMG Guidelines, 2015. Collection method: clinical testing. Allele origin: unknown.